The following is an entry in ClinVar:

NM_001257180.2(SLC20A2):c.857C>T (p.Pro286Leu)

Gene: SLC20A2 (solute carrier family 20 member 2; minus strand). Cytogenetic location: 8p11.21.
Variant type: single nucleotide variant.
Coding change: c.857C>T on transcript NM_001257180.2 (MANE Select); coding-DNA position 857, C replaced by T.
Protein change: p.Pro286Leu; replaces proline 286 with leucine.
Molecular consequence: missense variant.
Genome position (GRCh38, 1-based): chr8:42,439,527, G>A on the plus strand (C>T on the coding strand, the complement: SLC20A2 is on the minus strand). VCF-style: chr8-42439527-G-A. GRCh37 (hg19) VCF-style: chr8-42297045-G-A.
Other names: c.857C>T, p.Pro286Leu (NM_006749.5, NM_001257181.2); c.857C>T (NM_006749.3); short protein forms P286L.
Identifiers: ClinVar variation 3609614 (VCV003609614.3).

ClinVar aggregate classification (germline): Uncertain significance. Review status: criteria provided, multiple submitters, no conflicts (2 of 4 stars). 2 submissions from 2 submitters: Uncertain significance (2). Last evaluated 2025-06-03.

Conditions:
Inborn genetic diseases. Identifiers: MedGen C0950123, MeSH D030342.

gnomAD v4.1: 24 of 1,614,094 alleles (0.0015%); highest among the groups gnomAD compares: African/African-American, 0.021%; no homozygotes.

Submissions (2):

Ambry Genetics
Classification: Uncertain significance for Inborn genetic diseases. Last evaluated: 2025-06-03. Review status: criteria provided, single submitter. Criteria: Ambry Variant Classification Scheme 2023. Collection method: clinical testing. Allele origin: germline.

Labcorp Genetics (formerly Invitae), Labcorp
Classification: Uncertain significance. Last evaluated: 2024-10-08. Review status: criteria provided, single submitter. Criteria: Invitae Variant Classification Sherloc (09022015). Collection method: clinical testing. Allele origin: germline.
Comment: This sequence change replaces proline, which is neutral and non-polar, with leucine, which is neutral and non-polar, at codon 286 of the SLC20A2 protein (p.Pro286Leu). This variant is present in population databases (rs781554326, gnomAD 0.02%). This variant has not been reported in the literature in individuals affected with SLC20A2-related conditions. Invitae Evidence Modeling of protein sequence and biophysical properties (such as structural, functional, and spatial information, amino acid conservation, physicochemical variation, residue mobility, and thermodynamic stability) indicates that this missense variant is not expected to disrupt SLC20A2 protein function with a negative predictive value of 95%. In summary, the available evidence is currently insufficient to determine the role of this variant in disease. Therefore, it has been classified as a Variant of Uncertain Significance.